The following is an entry in ClinVar:

NM_001130438.3(SPTAN1):c.131A>G (p.Tyr44Cys)

Gene: SPTAN1 (spectrin alpha, non-erythrocytic 1; plus strand). Cytogenetic location: 9q34.11.
Variant type: single nucleotide variant.
Coding change: c.131A>G on transcript NM_001130438.3 (MANE Select); coding-DNA position 131, A replaced by G.
Protein change: p.Tyr44Cys; replaces tyrosine 44 with cysteine.
Molecular consequence: missense variant.
Genome position (GRCh38, 1-based): chr9:128,566,871, A>G. VCF-style: chr9-128566871-A-G. GRCh37 (hg19) VCF-style: chr9-131329150-A-G.
Other names: c.131A>G, p.Tyr44Cys (NM_001195532.2, NM_001363759.2, NM_001363765.2 and 1 more transcripts); short protein forms Y44C.
Identifiers: ClinVar variation 195127 (VCV000195127.34), dbSNP rs368482631, ClinGen allele CA241408.
Genomic context (GRCh38, chr9:128,566,871, plus strand): 5'-ACCGATACCACCGCTTCAAGGAACTCTCAACCCTTAGGCGTCAGAAGCTGGAAGATTCCT[A>G]TCGATTCCAGTTCTTTCAAAGAGATGCTGAAGAGCTGGAGAAATGGATACAGGAAAAACT-3'
Protein context (NP_001123910.1, residues 34-54): TLRRQKLEDS[Tyr44Cys]RFQFFQRDAE

ClinVar aggregate classification (germline): Conflicting classifications of pathogenicity. Review status: criteria provided, conflicting classifications (1 of 4 stars). 7 submissions from 7 submitters: Uncertain significance (6); Likely benign (1). Last evaluated 2025-05-07.

Conditions:
Early-infantile DEE. Also called: Early infantile epileptic encephalopathy; Early infantile epileptic encephalopathy with suppression bursts; Ohtahara syndrome. Identifiers: Orphanet 1934, MedGen C0393706, MONDO:0800491.
Developmental and epileptic encephalopathy, 5 (DEE5). Identifiers: Orphanet 3451, MedGen C3150731, MONDO:0013277, OMIM 613477.

Allele frequency attached by ClinVar (database versions not stated): ExAC 0.00001; gnomAD exomes 0.00001 and 0.00003; gnomAD 0.00002; TOPMed 0.00002; ESP Exome Variant Server 0.00008.
gnomAD v4.1: 48 of 1,614,104 alleles (0.003%); highest among the groups gnomAD compares: East Asian, 0.0067%; no homozygotes.

Submissions (7):

Labcorp Genetics (formerly Invitae), Labcorp
Classification: Uncertain significance for Early-infantile DEE. Last evaluated: 2025-05-07. Review status: criteria provided, single submitter. Criteria: Invitae Variant Classification Sherloc (09022015). Collection method: clinical testing. Allele origin: germline.
Comment: This sequence change replaces tyrosine, which is neutral and polar, with cysteine, which is neutral and slightly polar, at codon 44 of the SPTAN1 protein (p.Tyr44Cys). This variant is present in population databases (rs368482631, gnomAD 0.002%). This variant has not been reported in the literature in individuals affected with SPTAN1-related conditions. ClinVar contains an entry for this variant (Variation ID: 195127). Invitae Evidence Modeling of protein sequence and biophysical properties (such as structural, functional, and spatial information, amino acid conservation, physicochemical variation, residue mobility, and thermodynamic stability) has been performed for this missense variant. However, the output from this modeling did not meet the statistical confidence thresholds required to predict the impact of this variant on SPTAN1 protein function. In summary, the available evidence is currently insufficient to determine the role of this variant in disease. Therefore, it has been classified as a Variant of Uncertain Significance.

CeGaT Center for Human Genetics Tuebingen
Classification: Likely benign. Last evaluated: 2024-11-01. Review status: criteria provided, single submitter. Criteria: CeGaT Center For Human Genetics Tuebingen Variant Classification Criteria Version 2. Collection method: clinical testing. Allele origin: germline. Affected: yes. Observed: 1 variant allele.
Comment: SPTAN1: BS1

Revvity Omics, Revvity
Classification: Uncertain significance. Last evaluated: 2022-08-18. Review status: criteria provided, single submitter. Criteria: ACMG Guidelines, 2015. Collection method: clinical testing. Allele origin: germline.

Laboratory of Medical Genetics, National & Kapodistrian University of Athens
Classification: Uncertain significance for Developmental and epileptic encephalopathy, 5. Last evaluated: 2021-10-06. Review status: criteria provided, single submitter. Criteria: ACMG Guidelines, 2015. Collection method: clinical testing. Allele origin: paternal.
Comment: PM2, PP3, BP1

Genome-Nilou Lab
Classification: Uncertain significance for Developmental and epileptic encephalopathy, 5. Last evaluated: 2021-07-15. Review status: criteria provided, single submitter. Criteria: ACMG Guidelines, 2015. Collection method: clinical testing. Allele origin: germline. Affected: no.

GeneDx
Classification: Uncertain significance. Last evaluated: 2016-11-22. Review status: criteria provided, single submitter. Criteria: GeneDx Variant Classification (06012015). Collection method: clinical testing. Allele origin: germline. Affected: yes.
Comment: A variant of uncertain significance has been identified in the SPTAN1 gene. The Y44C variant has not been published as a pathogenic variant, nor has it been reported as a benign variant to our knowledge. The Y44C variant is observed in 0.01% alleles from individuals of European background, (Lek et al., 2016; 1000 Genomes Consortium et al., 2015; Exome Variant Server). The Y44C variant is a non-conservative amino acid substitution, which is likely to impact secondary protein structure as these residues differ in polarity, charge, size and/or other properties. This substitution occurs at a position that is conserved across species and in silico analysis predicts this variant is probably damaging to the protein structure/function. However, previously reported pathogenic variants in SPTAN1 include in-frame deletions or duplications located within the last four spectrin repeats of the protein, which are essential for dimerization (Saitsu et al., 2010), and the Y44C residue is outside this region. Therefore, based on the currently available information, it is unclear whether this variant is a pathogenic variant or a rare benign variant.

Eurofins Ntd Llc (ga)
Classification: Uncertain significance. Last evaluated: 2015-01-22. Review status: criteria provided, single submitter. Criteria: EGL Classification Definitions 2015. Collection method: clinical testing. Allele origin: germline. Observed: 1 variant allele, 1 heterozygote.